The following is an entry in ClinVar:

ClinVar aggregate classification (germline): Uncertain significance. Review status: criteria provided, multiple submitters, no conflicts (2 of 4 stars). 3 submissions from 3 submitters: Uncertain significance (3). Last evaluated 2025-08-19.

Conditions:
Inborn genetic diseases. Identifiers: MedGen C0950123, MeSH D030342.

Allele frequency attached by ClinVar (database versions not stated): ExAC 0.00001; TOPMed 0.00001; gnomAD 0.00002.

Submissions (3):

Dasa
Classification: Uncertain significance. Last evaluated: 2025-08-19. Review status: criteria provided, single submitter. Criteria: DASA Assertion Criteria. Collection method: clinical testing. Allele origin: germline.
Comment: NM_014967.5(FAN1):c.1607G>A (p.Arg536Gln) is a missense variant that results in the substitution of arginine with glutamine. This variant is rare in population databases. The currently available literature and clinical evidence are not sufficient to establish a definitive association between this variant and the reported condition. Therefore, this variant is classified as a variant of uncertain significance.

Ambry Genetics
Classification: Uncertain significance for Inborn genetic diseases. Last evaluated: 2025-01-03. Review status: criteria provided, single submitter. Criteria: Ambry Variant Classification Scheme 2023. Collection method: clinical testing. Allele origin: germline.

Blueprint Genetics
Classification: Uncertain significance. Last evaluated: 2021-10-01. Review status: criteria provided, single submitter. Criteria: ACMG Guidelines, 2015. Collection method: clinical testing. Allele origin: germline.

NM_014967.5(FAN1):c.1607G>A (p.Arg536Gln)

Gene: FAN1 (FANCD2 and FANCI associated nuclease 1; plus strand). Cytogenetic location: 15q13.3.
Variant type: single nucleotide variant.
Coding change: c.1607G>A on transcript NM_014967.5 (MANE Select); coding-DNA position 1607, G replaced by A.
Protein change: p.Arg536Gln; replaces arginine 536 with glutamine.
Molecular consequence: missense variant.
Genome position (GRCh38, 1-based): chr15:30,913,887, G>A. VCF-style: chr15-30913887-G-A. GRCh37 (hg19) VCF-style: chr15-31206090-G-A.
Other names: short protein forms R536Q.
Identifiers: ClinVar variation 2320941 (VCV002320941.6), dbSNP rs774910126, ClinGen allele CA7450357.